The following is an entry in ClinVar:

NM_005012.4(ROR1):c.2585C>T (p.Ser862Leu)

Gene: ROR1 (receptor tyrosine kinase like orphan receptor 1; plus strand). Cytogenetic location: 1p31.3.
Variant type: single nucleotide variant.
Coding change: c.2585C>T on transcript NM_005012.4 (MANE Select); coding-DNA position 2585, C replaced by T.
Protein change: p.Ser862Leu; replaces serine 862 with leucine.
Molecular consequence: missense variant.
Genome position (GRCh38, 1-based): chr1:64,178,626, C>T. VCF-style: chr1-64178626-C-T. GRCh37 (hg19) VCF-style: chr1-64644309-C-T.
Other names: short protein forms S862L.
Identifiers: ClinVar variation 1504687 (VCV001504687.6), dbSNP rs1213854684, ClinGen allele CA340648192.

ClinVar aggregate classification (germline): Uncertain significance (1 of 4 stars; one submission).

Allele frequency attached by ClinVar (database versions not stated): gnomAD exomes below 0.00001 and 0.00001.
gnomAD v4.1: 11 of 1,614,120 alleles (0.00068%); highest among the groups gnomAD compares: Admixed American, 0.005%; no homozygotes.

Submission:

Labcorp Genetics (formerly Invitae), Labcorp
Classification: Uncertain significance. Last evaluated: 2024-03-04. Review status: criteria provided, single submitter. Criteria: Invitae Variant Classification Sherloc (09022015). Collection method: clinical testing. Allele origin: germline.
Comment: This sequence change replaces serine, which is neutral and polar, with leucine, which is neutral and non-polar, at codon 862 of the ROR1 protein (p.Ser862Leu). This variant is present in population databases (no rsID available, gnomAD 0.003%). This variant has not been reported in the literature in individuals affected with ROR1-related conditions. ClinVar contains an entry for this variant (Variation ID: 1504687). An algorithm developed to predict the effect of missense changes on protein structure and function (PolyPhen-2) suggests that this variant is likely to be disruptive. In summary, the available evidence is currently insufficient to determine the role of this variant in disease. Therefore, it has been classified as a Variant of Uncertain Significance.